The following is an entry in ClinVar:

ClinVar aggregate classification (germline): Uncertain significance (1 of 4 stars; one submission).

Conditions:
Epileptic encephalopathy. Identifiers: MedGen C0543888, HP:0200134.

Allele frequency attached by ClinVar (database versions not stated): gnomAD exomes below 0.00001; TOPMed below 0.00001.
gnomAD v4.1: 4 of 1,612,158 alleles (0.00025%); highest among the groups gnomAD compares: South Asian, 0.0033%; no homozygotes.

Submission:

Labcorp Genetics (formerly Invitae), Labcorp
Classification: Uncertain significance for Epileptic encephalopathy. Last evaluated: 2022-11-10. Review status: criteria provided, single submitter. Criteria: Invitae Variant Classification Sherloc (09022015). Collection method: clinical testing. Allele origin: germline.
Comment: This sequence change replaces histidine, which is basic and polar, with tyrosine, which is neutral and polar, at codon 1122 of the FASN protein (p.His1122Tyr). The frequency data for this variant in the population databases is considered unreliable, as metrics indicate poor data quality at this position in the gnomAD database. This variant has not been reported in the literature in individuals affected with FASN-related conditions. Algorithms developed to predict the effect of missense changes on protein structure and function output the following: SIFT: "Tolerated"; PolyPhen-2: "Benign"; Align-GVGD: "Class C0". The tyrosine amino acid residue is found in multiple mammalian species, which suggests that this missense change does not adversely affect protein function. In summary, the available evidence is currently insufficient to determine the role of this variant in disease. Therefore, it has been classified as a Variant of Uncertain Significance.

NM_004104.5(FASN):c.3364C>T (p.His1122Tyr)

Gene: FASN (fatty acid synthase; minus strand). Cytogenetic location: 17q25.3.
Variant type: single nucleotide variant.
Coding change: c.3364C>T on transcript NM_004104.5 (MANE Select); coding-DNA position 3364, C replaced by T.
Protein change: p.His1122Tyr; replaces histidine 1122 with tyrosine.
Molecular consequence: missense variant.
Genome position (GRCh38, 1-based): chr17:82,087,113, G>A on the plus strand (C>T on the coding strand, the complement: FASN is on the minus strand). VCF-style: chr17-82087113-G-A. GRCh37 (hg19) VCF-style: chr17-80044989-G-A.
Other names: short protein forms H1122Y.
Identifiers: ClinVar variation 3005232 (VCV003005232.3), dbSNP rs1438574981, ClinGen allele CA401553038.